The following is an entry in ClinVar:

ClinVar aggregate classification (germline): Uncertain significance (1 of 4 stars; one submission).

Allele frequency attached by ClinVar (database versions not stated): ExAC 0.00001.
gnomAD v4.1: 5 of 1,613,506 alleles (0.00031%); highest among the groups gnomAD compares: Admixed American, 0.0067%; no homozygotes.

Submission:

Labcorp Genetics (formerly Invitae), Labcorp
Classification: Uncertain significance. Last evaluated: 2024-01-22. Review status: criteria provided, single submitter. Criteria: Invitae Variant Classification Sherloc (09022015). Collection method: clinical testing. Allele origin: germline.
Comment: This sequence change replaces serine, which is neutral and polar, with phenylalanine, which is neutral and non-polar, at codon 196 of the RARS2 protein (p.Ser196Phe). This variant is present in population databases (rs748735045, gnomAD 0.003%). This variant has not been reported in the literature in individuals affected with RARS2-related conditions. ClinVar contains an entry for this variant (Variation ID: 2190238). Advanced modeling of protein sequence and biophysical properties (such as structural, functional, and spatial information, amino acid conservation, physicochemical variation, residue mobility, and thermodynamic stability) performed at Invitae indicates that this missense variant is not expected to disrupt RARS2 protein function with a negative predictive value of 80%. In summary, the available evidence is currently insufficient to determine the role of this variant in disease. Therefore, it has been classified as a Variant of Uncertain Significance.

NM_020320.5(RARS2):c.587C>T (p.Ser196Phe)

Gene: RARS2 (arginyl-tRNA synthetase 2, mitochondrial; minus strand). Cytogenetic location: 6q15.
Variant type: single nucleotide variant.
Coding change: c.587C>T on transcript NM_020320.5 (MANE Select); coding-DNA position 587, C replaced by T.
Protein change: p.Ser196Phe; replaces serine 196 with phenylalanine.
Molecular consequence: missense variant. On other transcripts: non-coding transcript variant (18).
Genome position (GRCh38, 1-based): chr6:87,541,943, G>A on the plus strand (C>T on the coding strand, the complement: RARS2 is on the minus strand). VCF-style: chr6-87541943-G-A. GRCh37 (hg19) VCF-style: chr6-88251661-G-A.
Other names: c.62C>T, p.Ser21Phe (NM_001318785.2, NM_001350506.2, NM_001350507.2 and 4 more transcripts); c.587C>T, p.Ser196Phe (NM_001350505.2); short protein forms S196F, S21F.
Identifiers: ClinVar variation 2190238 (VCV002190238.2), dbSNP rs748735045, ClinGen allele CA3916588.